The following is an entry in ClinVar:

NM_177438.3(DICER1):c.216T>C (p.Phe72=)

Gene: DICER1 (dicer 1, ribonuclease III; minus strand). Cytogenetic location: 14q32.13.
Variant type: single nucleotide variant.
Coding change: c.216T>C on transcript NM_177438.3 (MANE Select); coding-DNA position 216, T replaced by C.
Protein change: p.Phe72=; no amino-acid change (phenylalanine 72 retained).
Molecular consequence: synonymous variant. On other transcripts: 5 prime UTR variant (9), non-coding transcript variant (6).
Genome position (GRCh38, 1-based): chr14:95,132,606, A>G on the plus strand (T>C on the coding strand, the complement: DICER1 is on the minus strand). VCF-style: chr14-95132606-A-G. GRCh37 (hg19) VCF-style: chr14-95598943-A-G.
Other names: c.216T>C, p.Phe72= (NM_001195573.1, NM_001271282.3, NM_001291628.2 and 15 more transcripts); c.-59T>C (NM_001395686.1, NM_001395687.1, NM_001395688.1 and 4 more transcripts); c.-243T>C (NM_001395691.1); c.-1353T>C (NM_001395697.1).
Identifiers: ClinVar variation 1787075 (VCV001787075.8), dbSNP rs1894047897, ClinGen allele CA487634103.
Genomic context (GRCh38, chr14:95,132,606, plus strand): 5'-ATTTCTGCTGAAGTCTCCCCTGATCTGATAGGACAGCTCTTTAGTGAGTAGTACTGCAAT[A>G]AATGTCTTCCCTGAGCCAGTGTTTAAACAGACGATGGTATTATGATCCAGAGCTGCTTCA-3'
Protein context (NP_803187.1, residues 62-82): VCLNTGSGKT[Phe72=]IAVLLTKELS

ClinVar aggregate classification (germline): Benign/Likely benign. Review status: criteria provided, multiple submitters, no conflicts (2 of 4 stars). 3 submissions from 3 submitters: Benign (1); Likely benign (2). Last evaluated 2026-04-14.

Conditions:
DICER1-related tumor predisposition. Also called: DICER1 syndrome; DICER1-related pleuropulmonary blastoma cancer predisposition syndrome. Identifiers: Orphanet 284343, MedGen C3839822, MONDO:0100216.
Hereditary cancer-predisposing syndrome. Also called: Neoplastic Syndromes, Hereditary; Tumor predisposition; Hereditary neoplastic syndrome; Hereditary Cancer Syndrome. Identifiers: Orphanet 140162, MedGen C0027672, MeSH D009386, MONDO:0015356.

Allele frequency attached by ClinVar (database versions not stated): gnomAD exomes below 0.00001.
gnomAD v4.1: 1 of 1,613,956 alleles (0.000062%); highest among the groups gnomAD compares: Non-Finnish European, 0.000085%; no homozygotes.

Submissions (3):

Myriad Genetics, Inc.
Classification: Benign for DICER1-related tumor predisposition. Last evaluated: 2026-04-14. Review status: criteria provided, single submitter. Criteria: Myriad Autosomal Dominant, Autosomal Recessive and X-Linked Classification Criteria (2023). Collection method: clinical testing. Allele origin: unknown.
Comment: This variant is considered benign. This variant is a silent/synonymous amino acid change and it is not expected to impact splicing.

Labcorp Genetics (formerly Invitae), Labcorp
Classification: Likely benign for DICER1-related tumor predisposition. Last evaluated: 2024-09-09. Review status: criteria provided, single submitter. Criteria: Invitae Variant Classification Sherloc (09022015). Collection method: clinical testing. Allele origin: germline.

Ambry Genetics
Classification: Likely benign for Hereditary cancer-predisposing syndrome. Last evaluated: 2020-08-20. Review status: criteria provided, single submitter. Criteria: Ambry Variant Classification Scheme 2023. Collection method: clinical testing. Allele origin: germline.